The following is an entry in ClinVar:

ClinVar aggregate classification (germline): Conflicting classifications of pathogenicity. Review status: criteria provided, conflicting classifications (1 of 4 stars). 8 submissions from 8 submitters: Uncertain significance (1); Benign (1); Likely benign (3). 3 of the submissions do not count toward it. Last evaluated 2026-04-01.

Conditions:
SYNE2-related disorder. Also called: SYNE2-related condition.
Emery-Dreifuss muscular dystrophy 5, autosomal dominant (EDMD5). Also called: EMERY-DREIFUSS MUSCULAR DYSTROPHY 5. Identifiers: Orphanet 261, MedGen C2751805, MONDO:0013072, OMIM 612999.

Allele frequency attached by ClinVar (database versions not stated): gnomAD exomes 0.00029 and 0.00063; ExAC 0.00036; TOPMed 0.00049; gnomAD 0.00054 and 0.00058; ESP Exome Variant Server 0.00085.
gnomAD v4.1: 986 of 1,613,970 alleles (0.061%); highest among the groups gnomAD compares: Non-Finnish European, 0.079%; no homozygotes.

Submissions (8):

CeGaT Center for Human Genetics Tuebingen
Classification: Likely benign. Last evaluated: 2026-04-01. Review status: criteria provided, single submitter. Criteria: CeGaT Center For Human Genetics Tuebingen Variant Classification Criteria Version 2. Collection method: clinical testing. Allele origin: germline. Affected: yes. Observed: 3 variant alleles.
Comment: SYNE2: BP4, BP7

Labcorp Genetics (formerly Invitae), Labcorp
Classification: Likely benign for Emery-Dreifuss muscular dystrophy 5, autosomal dominant. Last evaluated: 2025-04-24. Review status: criteria provided, single submitter. Criteria: Invitae Variant Classification Sherloc (09022015). Collection method: clinical testing. Allele origin: germline.

Blueprint Genetics
Classification: Likely benign. Last evaluated: 2024-07-30. Review status: criteria provided, single submitter. Criteria: ACMG Guidelines, 2015. Collection method: clinical testing. Allele origin: germline.

Illumina Laboratory Services, Illumina
Classification: Benign for Emery-Dreifuss muscular dystrophy 5, autosomal dominant. Last evaluated: 2018-01-13. Review status: criteria provided, single submitter. Criteria: ICSL Variant Classification Criteria 13 December 2019. Collection method: clinical testing. Allele origin: germline.
Comment: This variant was observed in the ICSL laboratory as part of a predisposition screen in an ostensibly healthy population. It had not been previously curated by ICSL or reported in the Human Gene Mutation Database (HGMD: prior to June 1st, 2018), and was therefore a candidate for classification through an automated scoring system. Utilizing variant allele frequency, disease prevalence and penetrance estimates, and inheritance mode, an automated score was calculated to assess if this variant is too frequent to cause the disease. Based on the score and internal cut-off values, a variant classified as benign is not then subjected to further curation. The score for this variant resulted in a classification of benign for this disease.

Eurofins Ntd Llc (ga)
Classification: Uncertain significance. Last evaluated: 2015-09-01. Review status: criteria provided, single submitter. Criteria: EGL Classification Definitions 2015. Collection method: clinical testing. Allele origin: germline. Observed: 3 variant alleles, 3 heterozygotes.

PreventionGenetics, part of Exact Sciences
Classification: Likely benign for SYNE2-related condition. Last evaluated: 2019-11-19. Review status: no assertion criteria provided. Collection method: clinical testing. Allele origin: germline. Not counted in ClinVar's aggregate classification.
Comment: This variant is classified as likely benign based on ACMG/AMP sequence variant interpretation guidelines (Richards et al. 2015 PMID: 25741868, with internal and published modifications).

Clinical Genetics DNA and cytogenetics Diagnostics Lab, Erasmus MC, Erasmus Medical Center
Classification: Likely benign. Review status: no assertion criteria provided. Collection method: clinical testing. Allele origin: germline. Affected: yes. Study: VKGL Data-share Consensus. Not counted in ClinVar's aggregate classification.

Joint Genome Diagnostic Labs from Nijmegen and Maastricht, Radboudumc and MUMC+
Classification: Likely benign. Review status: no assertion criteria provided. Collection method: clinical testing. Allele origin: germline. Affected: yes. Study: VKGL Data-share Consensus. Not counted in ClinVar's aggregate classification.

NM_182914.3(SYNE2):c.10494A>G (p.Thr3498=)

Gene: SYNE2 (spectrin repeat containing nuclear envelope protein 2; plus strand). Cytogenetic location: 14q23.2.
Variant type: single nucleotide variant.
Coding change: c.10494A>G on transcript NM_182914.3 (MANE Select); coding-DNA position 10494, A replaced by G.
Protein change: p.Thr3498=; no amino-acid change (threonine 3498 retained).
Molecular consequence: synonymous variant.
Genome position (GRCh38, 1-based): chr14:64,070,707, A>G. VCF-style: chr14-64070707-A-G. GRCh37 (hg19) VCF-style: chr14-64537425-A-G.
Other names: c.10494A>G, p.Thr3498= (NM_015180.6).
Identifiers: ClinVar variation 281192 (VCV000281192.36), dbSNP rs201000414, ClinGen allele CA7221534.